The following is an entry in ClinVar:

ClinVar aggregate classification (germline): Conflicting classifications of pathogenicity. Review status: criteria provided, conflicting classifications (1 of 4 stars). 5 submissions from 5 submitters: Pathogenic (2); Likely pathogenic (1); Uncertain significance (1). 1 of the submissions does not count toward it. Last evaluated 2026-06-03.

Conditions:
Hereditary cancer-predisposing syndrome. Also called: Tumor predisposition; Hereditary Cancer Syndrome; Hereditary neoplastic syndrome; Neoplastic Syndromes, Hereditary. Identifiers: Orphanet 140162, MedGen C0027672, MeSH D009386, MONDO:0015356.
Gorlin syndrome. Also called: Basal cell nevus syndrome; Nevoid Basal Cell Carcinoma Syndrome. Identifiers: Orphanet 377, MedGen C0004779, MONDO:0007187.

Submissions (5):

Ambry Genetics
Classification: Uncertain significance for Hereditary cancer-predisposing syndrome. Last evaluated: 2026-06-03. Review status: criteria provided, single submitter. Criteria: Ambry Variant Classification Scheme 2023. Collection method: clinical testing. Allele origin: germline.
Comment: The c.114delG variant, located in coding exon 1 of the PTCH1 gene, results from a deletion of one nucleotide at nucleotide position 114, causing a translational frameshift with a predicted alternate stop codon (p.L39Cfs*41). This alteration is expected to result in loss of function by premature protein truncation or nonsense-mediated mRNA decay. However, this region of the gene is excluded from other biologically relevant transcripts. This variant was reported in an individual with some features of nevoid basal cell carcinoma syndrome (NBCCS) (Gielen RCAM et al. J Hum Genet, 2018 Sep;63:965-969); however other individuals have not reported features consistent with NBCCS (Ambry Internal data; Personal communication). Based on the available evidence, the clinical significance of this variant remains unclear.

Labcorp Genetics (formerly Invitae), Labcorp
Classification: Pathogenic for Gorlin syndrome. Last evaluated: 2024-09-25. Review status: criteria provided, single submitter. Criteria: Invitae Variant Classification Sherloc (09022015). Collection method: clinical testing. Allele origin: germline.
Comment: This sequence change creates a premature translational stop signal (p.Leu39Cysfs*41) in the PTCH1 gene. It is expected to result in an absent or disrupted protein product. Loss-of-function variants in PTCH1 are known to be pathogenic (PMID: 16301862, 16419085). This variant is not present in population databases (gnomAD no frequency). This premature translational stop signal has been observed in individual(s) with basal cell nevus syndrome (PMID: 29575684). ClinVar contains an entry for this variant (Variation ID: 374274). For these reasons, this variant has been classified as Pathogenic.

GeneDx
Classification: Pathogenic. Last evaluated: 2019-07-24. Review status: criteria provided, single submitter. Criteria: GeneDx Variant Classification (06012015). Collection method: clinical testing. Allele origin: germline. Affected: yes.
Comment: The c.114delG variant in the PTCH1 gene is a recurrent de novo finding that has been reported previously in individuals with features of BCNS, including delayed motor milestones, hearing loss, dysmorphic features, tall habitus, macrocephaly, overgrowth, bifid ribs, and ventriculomegaly (Posey et al., 2017; Reinders et al., 2018; Geilen et al., 2018). The c.114delG variant causes a frameshift starting with codon Leucine 39, changes this amino acid to a Cysteine residue, and creates a premature Stop codon at position 41 of the new reading frame, denoted p.Leu39CysfsX41. This variant is predicted to cause loss of normal protein function either through protein truncation or nonsense-mediated mRNA decay. The c.114delG variant is not observed in large population cohorts (Lek et al., 2016). We interpret c.114delG as a pathogenic variant.

CeGaT Center for Human Genetics Tuebingen
Classification: Likely pathogenic. Last evaluated: 2018-01-01. Review status: criteria provided, single submitter. Criteria: CeGaT Center For Human Genetics Tuebingen Variant Classification Criteria Version 2. Collection method: clinical testing. Allele origin: germline. Affected: yes. Observed: 1 variant allele.

Baylor Genetics
Classification: Pathogenic for Basal cell nevus syndrome 1. Last evaluated: 2016-05-01. Review status: no assertion criteria provided. Collection method: clinical testing. Allele origin: de novo. Inheritance: Autosomal dominant inheritance. Affected: yes. Not counted in ClinVar's aggregate classification.

Literature cited by the submitters: PubMed 29930296 (cited by Ambry Genetics); PubMed 16301862 (cited by Labcorp Genetics (formerly Invitae), Labcorp); PubMed 16419085 (cited by Labcorp Genetics (formerly Invitae), Labcorp); PubMed 29575684 (cited by Labcorp Genetics (formerly Invitae), Labcorp).

NM_000264.5(PTCH1):c.114del (p.Leu39fs)

Genes: PTCH1 (patched 1; minus strand), LOC130002133 (ATAC-STARR-seq lymphoblastoid silent region 20071; plus strand). Cytogenetic location: 9q22.32.
Variant type: Deletion.
Coding change: c.114del on transcript NM_000264.5 (MANE Select); coding-DNA position 114, one base deleted (G; older notation c.114delG).
Protein change: p.Leu39fs; shifts the reading frame from leucine 39.
Molecular consequence: frameshift variant. On other transcripts: non-coding transcript variant (1), intron variant (3).
Genome position (GRCh38, 1-based): chr9:95,508,248, C deleted on the plus strand (G on the coding strand, the reverse complement: PTCH1 is on the minus strand); the first of 7 consecutive C bases (chr9:95,508,248-95,508,254); deleting any one gives the same sequence. VCF-style (leftmost placement, unchanged base first): chr9-95508247-GC-G. GRCh37 (hg19) VCF-style: chr9-98270529-GC-G.
Other names: c.114del, p.Leu39fs (NM_001354918.2); c.199-1649del (NM_001083603.3); c.4-1649del (NM_001083602.3, NM_001354919.2); short protein forms L39fs.
Identifiers: ClinVar variation 374274 (VCV000374274.49), dbSNP rs751977093, ClinGen allele CA16043675.
Genomic context (GRCh38, chr9:95,508,247, plus strand): 5'-CGGCGTCGCAGTAGCTGGGCCGGTGCAGATAGTCCCGGTCCGGCGCGGCAGCACGGCGCA[GC>G]CCCCCCGTCCGTCTGCGCCTCCCGCCTCCAGCCGGCCGTCCCGGGGCACCGATACAGCCG-3'